The following is an entry in ClinVar:

NM_182931.3(KMT2E):c.5297C>T (p.Thr1766Ile)

Gene: KMT2E (lysine methyltransferase 2E (inactive); plus strand). Cytogenetic location: 7q22.3.
Variant type: single nucleotide variant.
Coding change: c.5297C>T on transcript NM_182931.3 (MANE Select); coding-DNA position 5297, C replaced by T.
Protein change: p.Thr1766Ile; replaces threonine 1766 with isoleucine.
Molecular consequence: missense variant.
Genome position (GRCh38, 1-based): chr7:105,113,053, C>T. VCF-style: chr7-105113053-C-T. GRCh37 (hg19) VCF-style: chr7-104753500-C-T.
Other names: c.5297C>T (NM_182931.2); c.5171C>T, p.Thr1724Ile (NM_001410908.1); c.5297C>T, p.Thr1766Ile (NM_018682.4); short protein forms T1766I, T1724I.
Identifiers: ClinVar variation 2074721 (VCV002074721.6), dbSNP rs201672288, ClinGen allele CA4424958.

ClinVar aggregate classification (germline): Benign/Likely benign. Review status: criteria provided, multiple submitters, no conflicts (2 of 4 stars). 3 submissions from 3 submitters: Benign (1); Likely benign (2). Last evaluated 2025-12-28.

Conditions:
KMT2E-related disorder. Also called: KMT2E-related condition.
Inborn genetic diseases. Identifiers: MedGen C0950123, MeSH D030342.

Allele frequency attached by ClinVar (database versions not stated): ExAC 0.00010; gnomAD exomes 0.00015; gnomAD 0.00029; TOPMed 0.00041; 1000 Genomes Project 30x 0.00078; 1000 Genomes Project 0.00080.
gnomAD v4.1: 270 of 1,614,170 alleles (0.017%); highest among the groups gnomAD compares: Admixed American, 0.07%; 1 homozygote.

Submissions (3):

Labcorp Genetics (formerly Invitae), Labcorp
Classification: Benign. Last evaluated: 2025-12-28. Review status: criteria provided, single submitter. Criteria: Invitae Variant Classification Sherloc (09022015). Collection method: clinical testing. Allele origin: germline.

PreventionGenetics, part of Exact Sciences
Classification: Likely benign for KMT2E-related condition. Last evaluated: 2025-04-19. Review status: criteria provided, single submitter. Criteria: ACMG Guidelines, 2015. Collection method: clinical testing. Allele origin: germline.
Comment: This variant is classified as likely benign based on ACMG/AMP sequence variant interpretation guidelines (Richards et al. 2015 PMID: 25741868, with internal and published modifications).

Ambry Genetics
Classification: Likely benign for Inborn genetic diseases. Last evaluated: 2022-01-26. Review status: criteria provided, single submitter. Criteria: Ambry Variant Classification Scheme 2023. Collection method: clinical testing. Allele origin: germline.